The following is an entry in ClinVar:

NM_001288705.3(CSF1R):c.1626+7C>T

Gene: CSF1R (colony stimulating factor 1 receptor; minus strand). Cytogenetic location: 5q32.
Variant type: single nucleotide variant.
Coding change: c.1626+7C>T on transcript NM_001288705.3 (MANE Select); 7 bases into the intron after coding-DNA position 1626, C replaced by T.
Molecular consequence: intron variant.
Genome position (GRCh38, 1-based): chr5:150,068,208, G>A on the plus strand (C>T on the coding strand, the complement: CSF1R is on the minus strand). VCF-style: chr5-150068208-G-A. GRCh37 (hg19) VCF-style: chr5-149447771-G-A.
Other names: p.?; c.1182+7C>T (NM_001375321.1); c.1626+7C>T (NM_005211.4, NM_001375320.1, NM_001349736.2).
Identifiers: ClinVar variation 352147 (VCV000352147.18), dbSNP rs34928010, ClinGen allele CA3506767.

ClinVar aggregate classification (germline): Benign. Review status: criteria provided, multiple submitters, no conflicts (2 of 4 stars). 6 submissions from 6 submitters: Benign (5). 1 of the submissions does not count toward it. Last evaluated 2026-02-03.

Conditions:
Hereditary diffuse leukoencephalopathy with spheroids. Also called: LEUKOENCEPHALOPATHY, ADULT-ONSET, WITH AXONAL SPHEROIDS AND PIGMENTED GLIA. Identifiers: Orphanet 313808, MedGen C3711381, MONDO:0030796.

Allele frequency attached by ClinVar (database versions not stated): gnomAD exomes 0.06238 and 0.11354; ExAC 0.10903; ESP Exome Variant Server 0.11387; gnomAD 0.12918 and 0.13020; TOPMed 0.14817; 1000 Genomes Project 0.17891; 1000 Genomes Project 30x 0.18364.
gnomAD v4.1: 111,451 of 1,605,754 alleles (6.9%); highest among the groups gnomAD compares: African/African-American, 27%; 7,894 homozygotes.

Submissions (6):

Labcorp Genetics (formerly Invitae), Labcorp
Classification: Benign. Last evaluated: 2026-02-03. Review status: criteria provided, single submitter. Criteria: Invitae Variant Classification Sherloc (09022015). Collection method: clinical testing. Allele origin: germline.

Mayo Clinic Laboratories, Mayo Clinic
Classification: Benign. Last evaluated: 2022-03-24. Review status: criteria provided, single submitter. Criteria: ACMG Guidelines, 2015. Collection method: clinical testing. Allele origin: germline. Observed: 156 variant alleles.

GeneDx
Classification: Benign. Last evaluated: 2021-05-12. Review status: criteria provided, single submitter. Criteria: GeneDx Variant Classification Process June 2021. Collection method: clinical testing. Allele origin: germline. Affected: yes.

Illumina Laboratory Services, Illumina
Classification: Benign for Leukoencephalopathy, diffuse hereditary, with spheroids 1. Last evaluated: 2018-01-13. Review status: criteria provided, single submitter. Criteria: ICSL Variant Classification Criteria 13 December 2019. Collection method: clinical testing. Allele origin: germline.
Comment: This variant was observed in the ICSL laboratory as part of a predisposition screen in an ostensibly healthy population. It had not been previously curated by ICSL or reported in the Human Gene Mutation Database (HGMD: prior to June 1st, 2018), and was therefore a candidate for classification through an automated scoring system. Utilizing variant allele frequency, disease prevalence and penetrance estimates, and inheritance mode, an automated score was calculated to assess if this variant is too frequent to cause the disease. Based on the score and internal cut-off values, a variant classified as benign is not then subjected to further curation. The score for this variant resulted in a classification of benign for this disease.

Clinical Genetics DNA and cytogenetics Diagnostics Lab, Erasmus MC, Erasmus Medical Center
Classification: Benign for Leukoencephalopathy, diffuse hereditary, with spheroids 1. Last evaluated: 2015-09-21. Review status: criteria provided, single submitter. Criteria: ACGS Guidelines, 2013. Collection method: clinical testing. Allele origin: germline. Affected: yes. Study: VKGL Data-share Consensus.

Genome Diagnostics Laboratory, Amsterdam University Medical Center
Classification: Benign for Leukoencephalopathy, diffuse hereditary, with spheroids 1. Last evaluated: 2015-04-21. Review status: no assertion criteria provided. Criteria: ACGS Guidelines, 2013. Collection method: clinical testing. Allele origin: germline. Affected: yes. Study: VKGL Data-share Consensus. Not counted in ClinVar's aggregate classification.